The following is an entry in ClinVar:

ClinVar aggregate classification (germline): Uncertain significance (1 of 4 stars; one submission).

gnomAD v4.1: 1 of 1,613,408 alleles (0.000062%); highest among the groups gnomAD compares: Non-Finnish European, 0.000085%; no homozygotes.

Submission:

Mayo Clinic Laboratories, Mayo Clinic
Classification: Uncertain significance. Last evaluated: 2024-08-01. Review status: criteria provided, single submitter. Criteria: ACMG Guidelines, 2015. Collection method: clinical testing. Allele origin: germline. Observed: 1 variant allele.
Comment: BP4

NM_005876.5(SPEG):c.2135T>C (p.Val712Ala)

Gene: SPEG (striated muscle enriched protein kinase; plus strand). Cytogenetic location: 2q35.
Variant type: single nucleotide variant.
Coding change: c.2135T>C on transcript NM_005876.5 (MANE Select); coding-DNA position 2135, T replaced by C.
Protein change: p.Val712Ala; replaces valine 712 with alanine.
Molecular consequence: missense variant.
Genome position (GRCh38, 1-based): chr2:219,451,157, T>C. VCF-style: chr2-219451157-T-C. GRCh37 (hg19) VCF-style: chr2-220315879-T-C.
Other names: p.Val712Ala; short protein forms V712A.
Identifiers: ClinVar variation 3379425 (VCV003379425.1).